The following is an entry in ClinVar:

ClinVar aggregate classification (germline): Conflicting classifications of pathogenicity. Review status: criteria provided, conflicting classifications (1 of 4 stars). 4 submissions from 4 submitters: Uncertain significance (1); Benign (1); Likely benign (2). Last evaluated 2025-03-11.

Conditions:
Prostate cancer, hereditary, 9 (HPC9). Identifiers: Orphanet 1331, MedGen C1970250, MONDO:0012597, OMIM 610997.
Hereditary cancer-predisposing syndrome. Also called: Neoplastic Syndromes, Hereditary; Tumor predisposition; Hereditary neoplastic syndrome; Hereditary Cancer Syndrome. Identifiers: Orphanet 140162, MedGen C0027672, MeSH D009386, MONDO:0015356.

Allele frequency attached by ClinVar (database versions not stated): gnomAD exomes below 0.00001 and 0.00002; ExAC 0.00001.
gnomAD v4.1: 6 of 1,614,174 alleles (0.00037%); highest among the groups gnomAD compares: Non-Finnish European, 0.00051%; no homozygotes.

Submissions (4):

Labcorp Genetics (formerly Invitae), Labcorp
Classification: Likely benign. Last evaluated: 2025-03-11. Review status: criteria provided, single submitter. Criteria: Invitae Variant Classification Sherloc (09022015). Collection method: clinical testing. Allele origin: germline.

Myriad Genetics, Inc.
Classification: Benign for Prostate cancer, hereditary, 9. Last evaluated: 2024-10-31. Review status: criteria provided, single submitter. Criteria: Myriad Autosomal Dominant, Autosomal Recessive and X-Linked Classification Criteria (2023). Collection method: clinical testing. Allele origin: unknown.
Comment: This variant is considered benign. This variant is a silent/synonymous amino acid change and it is not expected to impact splicing.

GeneDx
Classification: Uncertain significance. Last evaluated: 2023-06-13. Review status: criteria provided, single submitter. Criteria: GeneDx Variant Classification Process June 2021. Collection method: clinical testing. Allele origin: germline. Affected: yes.
Comment: Not observed at significant frequency in large population cohorts (gnomAD); In silico analysis supports that this variant does not alter splicing; Has not been previously published as pathogenic or benign to our knowledge

Ambry Genetics
Classification: Likely benign for Hereditary cancer-predisposing syndrome. Last evaluated: 2019-03-27. Review status: criteria provided, single submitter. Criteria: Ambry Variant Classification Scheme 2023. Collection method: clinical testing. Allele origin: germline.

NM_006361.6(HOXB13):c.804G>T (p.Arg268=)

Gene: HOXB13 (homeobox B13; minus strand). Cytogenetic location: 17q21.32.
Variant type: single nucleotide variant.
Coding change: c.804G>T on transcript NM_006361.6 (MANE Select); coding-DNA position 804, G replaced by T.
Protein change: p.Arg268=; no amino-acid change (arginine 268 retained).
Molecular consequence: synonymous variant.
Genome position (GRCh38, 1-based): chr17:48,726,841, C>A on the plus strand (G>T on the coding strand, the complement: HOXB13 is on the minus strand). VCF-style: chr17-48726841-C-A. GRCh37 (hg19) VCF-style: chr17-46804203-C-A.
Identifiers: ClinVar variation 827418 (VCV000827418.15), dbSNP rs779692736, ClinGen allele CA8633905.
Genomic context (GRCh38, chr17:48,726,841, plus strand): 5'-GGAGATCTCTTAAGGGGTAGCGCTGTTCTTCACCTTGGCGAGAACCTTCTTCTCTTTGAC[C>A]CGGCGGTTCTGAAACCAGATGGTAATCTGGCGCTCCGAGAGGCTGGTGGCTGCCGAGATC-3'
Protein context (NP_006352.2, residues 258-278): RQITIWFQNR[Arg268=]VKEKKVLAKV